The following is an entry in ClinVar:

NM_000936.4(PNLIP):c.692G>T (p.Gly231Val)

Gene: PNLIP (pancreatic lipase; plus strand). Cytogenetic location: 10q25.3.
Variant type: single nucleotide variant.
Coding change: c.692G>T on transcript NM_000936.4 (MANE Select); coding-DNA position 692, G replaced by T.
Protein change: p.Gly231Val; replaces glycine 231 with valine.
Molecular consequence: missense variant.
Genome position (GRCh38, 1-based): chr10:116,555,388, G>T. VCF-style: chr10-116555388-G-T. GRCh37 (hg19) VCF-style: chr10-118314900-G-T.
Other names: short protein forms G231V.
Identifiers: ClinVar variation 2799525 (VCV002799525.3), dbSNP rs2493055219, ClinGen allele CA378495659.

ClinVar aggregate classification (germline): Uncertain significance (1 of 4 stars; one submission).

Submission:

Labcorp Genetics (formerly Invitae), Labcorp
Classification: Uncertain significance. Last evaluated: 2022-12-23. Review status: criteria provided, single submitter. Criteria: Invitae Variant Classification Sherloc (09022015). Collection method: clinical testing. Allele origin: germline.
Comment: This sequence change replaces glycine, which is neutral and non-polar, with valine, which is neutral and non-polar, at codon 231 of the PNLIP protein (p.Gly231Val). This variant is not present in population databases (gnomAD no frequency). This variant has not been reported in the literature in individuals affected with PNLIP-related conditions. Algorithms developed to predict the effect of missense changes on protein structure and function are either unavailable or do not agree on the potential impact of this missense change (SIFT: "Not Available"; PolyPhen-2: "Probably Damaging"; Align-GVGD: "Not Available"). In summary, the available evidence is currently insufficient to determine the role of this variant in disease. Therefore, it has been classified as a Variant of Uncertain Significance.